The following is an entry in ClinVar:

NM_001005498.4(RHBDF2):c.238C>T (p.Arg80Cys)

Gene: RHBDF2 (rhomboid 5 homolog 2; minus strand). Cytogenetic location: 17q25.1.
Variant type: single nucleotide variant.
Coding change: c.238C>T on transcript NM_001005498.4 (MANE Select); coding-DNA position 238, C replaced by T.
Protein change: p.Arg80Cys; replaces arginine 80 with cysteine.
Molecular consequence: missense variant. On other transcripts: non-coding transcript variant (3).
Genome position (GRCh38, 1-based): chr17:76,479,767, G>A on the plus strand (C>T on the coding strand, the complement: RHBDF2 is on the minus strand). VCF-style: chr17-76479767-G-A. GRCh37 (hg19) VCF-style: chr17-74475849-G-A.
Other names: c.238C>T, p.Arg80Cys (NM_001376228.1, NM_001376229.1, NM_001376230.1); c.325C>T, p.Arg109Cys (NM_024599.5); short protein forms R80C, R109C.
Identifiers: ClinVar variation 892251 (VCV000892251.9), dbSNP rs369829771, ClinGen allele CA8787439.
Genomic context (GRCh38, chr17:76,479,767, plus strand): 5'-CTGGGCTTGGGTGTAGGGGGGCTCACTTGCGGATGCTCTGGGACAGTGAGGCCTGGCGGC[G>A]GAAGCCAGGGCGCTTCTCTGAACTCTCCTGCCATCGGCTGCGTGGCTCCTGGAGGCTGAC-3'
Protein context (NP_001005498.2, residues 70-90): QESSEKRPGF[Arg80Cys]RQASLSQSIR

ClinVar aggregate classification (germline): Benign/Likely benign. Review status: criteria provided, multiple submitters, no conflicts (2 of 4 stars). 4 submissions from 4 submitters: Benign (1); Likely benign (3). Last evaluated 2025-12-19.

Conditions:
Palmoplantar keratoderma-esophageal carcinoma syndrome (TOC). Also called: Tylosis with Esophageal Cancer; KERATOSIS PALMARIS ET PLANTARIS WITH ESOPHAGEAL CANCER; PALMOPLANTAR KERATODERMA WITH ESOPHAGEAL CANCER. Identifiers: Orphanet 2198, MedGen C1835664, MONDO:0007856, OMIM 148500.

Allele frequency attached by ClinVar (database versions not stated): gnomAD exomes 0.00006 and 0.00025; gnomAD 0.00010 and 0.00011; TOPMed 0.00015; ExAC 0.00017; 1000 Genomes Project 30x 0.00031; 1000 Genomes Project 0.00040.
gnomAD v4.1: 162 of 1,612,412 alleles (0.01%); highest among the groups gnomAD compares: East Asian, 0.18%; 6 homozygotes.

Submissions (4):

Labcorp Genetics (formerly Invitae), Labcorp
Classification: Likely benign. Last evaluated: 2025-12-19. Review status: criteria provided, single submitter. Criteria: Invitae Variant Classification Sherloc (09022015). Collection method: clinical testing. Allele origin: germline.

Blueprint Genetics
Classification: Likely benign. Last evaluated: 2024-06-12. Review status: criteria provided, single submitter. Criteria: ACMG Guidelines, 2015. Collection method: clinical testing. Allele origin: germline.

Department of Pathology and Laboratory Medicine, Sinai Health System
Classification: Likely benign for Palmoplantar keratoderma-esophageal carcinoma syndrome. Last evaluated: 2021-11-10. Review status: criteria provided, single submitter. Criteria: ACMG Guidelines, 2015. Collection method: research. Allele origin: germline.

Illumina Laboratory Services, Illumina
Classification: Benign for Palmoplantar keratoderma-esophageal carcinoma syndrome. Last evaluated: 2018-01-12. Review status: criteria provided, single submitter. Criteria: ICSL Variant Classification Criteria 13 December 2019. Collection method: clinical testing. Allele origin: germline.
Comment: This variant was observed in the ICSL laboratory as part of a predisposition screen in an ostensibly healthy population. It had not been previously curated by ICSL or reported in the Human Gene Mutation Database (HGMD: prior to June 1st, 2018), and was therefore a candidate for classification through an automated scoring system. Utilizing variant allele frequency, disease prevalence and penetrance estimates, and inheritance mode, an automated score was calculated to assess if this variant is too frequent to cause the disease. Based on the score and internal cut-off values, a variant classified as benign is not then subjected to further curation. The score for this variant resulted in a classification of benign for this disease.